The following is an entry in ClinVar:

ClinVar aggregate classification (germline): Benign (1 of 4 stars; one submission).

Conditions:
Retinitis pigmentosa (RP). Identifiers: Orphanet 791, MedGen C0035334, MeSH D012174, MONDO:0019200, OMIM 268000. Inheritance: Autosomal dominant, autosomal recessive and X linked inheritance.

Allele frequency attached by ClinVar (database versions not stated): 1000 Genomes Project 0.10962; 1000 Genomes Project 30x 0.11305; gnomAD 0.12686 and 0.13345; TOPMed 0.13661.

Submission:

Illumina Laboratory Services, Illumina
Classification: Benign for Retinitis pigmentosa. Last evaluated: 2018-01-12. Review status: criteria provided, single submitter. Criteria: ICSL Variant Classification Criteria 13 December 2019. Collection method: clinical testing. Allele origin: germline.
Comment: This variant was observed in the ICSL laboratory as part of a predisposition screen in an ostensibly healthy population. It had not been previously curated by ICSL or reported in the Human Gene Mutation Database (HGMD: prior to June 1st, 2018), and was therefore a candidate for classification through an automated scoring system. Utilizing variant allele frequency, disease prevalence and penetrance estimates, and inheritance mode, an automated score was calculated to assess if this variant is too frequent to cause the disease. Based on the score and internal cut-off values, a variant classified as benign is not then subjected to further curation. The score for this variant resulted in a classification of benign for this disease.

NM_001297.5(CNGB1):c.*1233T>C

Gene: CNGB1 (cyclic nucleotide gated channel subunit beta 1; minus strand). Cytogenetic location: 16q21.
Variant type: single nucleotide variant.
Coding change: c.*1233T>C on transcript NM_001297.5 (MANE Select); 1233 bases downstream of the stop codon, T replaced by C.
Molecular consequence: 3 prime UTR variant.
Genome position (GRCh38, 1-based): chr16:57,882,931, A>G on the plus strand (T>C on the coding strand, the complement: CNGB1 is on the minus strand). VCF-style: chr16-57882931-A-G. GRCh37 (hg19) VCF-style: chr16-57916835-A-G.
Other names: c.*1233T>C (NM_001286130.2).
Identifiers: ClinVar variation 320028 (VCV000320028.5), dbSNP rs9932826, ClinGen allele CA10647868.